The following is an entry in ClinVar:

ClinVar aggregate classification (germline): Uncertain significance (1 of 4 stars; one submission).

Conditions:
Developmental and epileptic encephalopathy, 34 (DEE34). Also called: SLC12A5-Related Epilepsy of Infancy with Migrating Focal Seizures; Early infantile epileptic encephalopathy 34. Identifiers: Orphanet 293181, MedGen C4225257, MONDO:0014718, OMIM 616645.

Allele frequency attached by ClinVar (database versions not stated): gnomAD exomes below 0.00001.
gnomAD v4.1: 2 of 1,613,952 alleles (0.00012%); highest among the groups gnomAD compares: Non-Finnish European, 0.00017%; no homozygotes.

Submission:

Labcorp Genetics (formerly Invitae), Labcorp
Classification: Uncertain significance for Developmental and epileptic encephalopathy, 34. Last evaluated: 2021-02-02. Review status: criteria provided, single submitter. Criteria: Invitae Variant Classification Sherloc (09022015). Collection method: clinical testing. Allele origin: germline.
Comment: In summary, the available evidence is currently insufficient to determine the role of this variant in disease. Therefore, it has been classified as a Variant of Uncertain Significance. Algorithms developed to predict the effect of missense changes on protein structure and function are either unavailable or do not agree on the potential impact of this missense change (SIFT: "Tolerated"; PolyPhen-2: "Probably Damaging"; Align-GVGD: "Class C0"). This variant has not been reported in the literature in individuals with SLC12A5-related conditions. This variant is not present in population databases (ExAC no frequency). This sequence change replaces tyrosine with cysteine at codon 617 of the SLC12A5 protein (p.Tyr617Cys). The tyrosine residue is moderately conserved and there is a large physicochemical difference between tyrosine and cysteine.

NM_020708.5(SLC12A5):c.1850A>G (p.Tyr617Cys)

Gene: SLC12A5 (solute carrier family 12 member 5; plus strand). Cytogenetic location: 20q13.12.
Variant type: single nucleotide variant.
Coding change: c.1850A>G on transcript NM_020708.5 (MANE Select); coding-DNA position 1850, A replaced by G.
Protein change: p.Tyr617Cys; replaces tyrosine 617 with cysteine.
Molecular consequence: missense variant.
Genome position (GRCh38, 1-based): chr20:46,047,516, A>G. VCF-style: chr20-46047516-A-G. GRCh37 (hg19) VCF-style: chr20-44676155-A-G.
Other names: c.1919A>G, p.Tyr640Cys (NM_001134771.2); short protein forms Y617C, Y640C.
Identifiers: ClinVar variation 1040629 (VCV001040629.11), dbSNP rs1388235037, ClinGen allele CA409199399.